The following is an entry in ClinVar:

NM_000135.4(FANCA):c.2504+134A>G

Gene: FANCA (FA complementation group A; minus strand). Cytogenetic location: 16q24.3.
Variant type: single nucleotide variant.
Coding change: c.2504+134A>G on transcript NM_000135.4 (MANE Select); 134 bases into the intron after coding-DNA position 2504, A replaced by G.
Molecular consequence: intron variant.
Genome position (GRCh38, 1-based): chr16:89,769,703, T>C on the plus strand (A>G on the coding strand, the complement: FANCA is on the minus strand). VCF-style: chr16-89769703-T-C. GRCh37 (hg19) VCF-style: chr16-89836111-T-C.
Other names: c.2504+134A>G (NM_001286167.3).
Identifiers: ClinVar variation 974137 (VCV000974137.1), dbSNP rs2039254077, ClinGen allele CA1139665008.
Genomic context (GRCh38, chr16:89,769,703, plus strand): 5'-AACAAAGAAACAAACGCACGCATATTATAAACAAATGACAGATAAAATTCTGGAAGGATA[T>C]ATACCAAAATGCTAAAAAGTGGTTATCTTTGGGTGGTATGTCTGCATGTCTGTCTCTTCT-3'

ClinVar aggregate classification (germline): Pathogenic (0 of 4 stars; one submission).

Conditions:
Fanconi anemia complementation group A (FANCA). Also called: Fanconi anemia, group A; FANCA-Related Fanconi Anemia. Identifiers: Orphanet 84, MedGen C3469521, MONDO:0009215, OMIM 227650.

Allele frequency attached by ClinVar (database versions not stated): gnomAD exomes below 0.00001.
gnomAD v4.1: 1 of 954,604 alleles (0.0001%); no homozygotes.

Submission:

Leiden Open Variation Database
Classification: Pathogenic for Fanconi anemia complementation group A. Last evaluated: 2020-02-28. Review status: no assertion criteria provided. Collection method: curation. Allele origin: germline. Affected: yes.
Comment: Curator: Arleen D. Auerbach. Submitter to LOVD: Arleen D. Auerbach.

Literature cited by the submitters: PubMed 10090479.